The following is an entry in ClinVar:

NM_152443.3(RDH12):c.139G>A (p.Ala47Thr)

Genes: GPHN (gephyrin; plus strand), RDH12 (retinol dehydrogenase 12; plus strand). Cytogenetic location: 14q24.1.
Variant type: single nucleotide variant.
Coding change: c.139G>A on transcript NM_152443.3 (MANE Select); coding-DNA position 139, G replaced by A.
Protein change: p.Ala47Thr; replaces alanine 47 with threonine.
Molecular consequence: missense variant.
Genome position (GRCh38, 1-based): chr14:67,724,543, G>A. VCF-style: chr14-67724543-G-A. GRCh37 (hg19) VCF-style: chr14-68191260-G-A.
Other names: short protein forms A47T.
Identifiers: ClinVar variation 852972 (VCV000852972.22), dbSNP rs761231974, ClinGen allele CA7238610.
Genomic context (GRCh38, chr14:67,724,543, plus strand): 5'-GCTGGTGGAGTGTGTAGAACAAATGTGCAGCTTCCTGGCAAGGTAGTGGTGATCACTGGC[G>A]CCAACACGGGCATTGGCAAGGAGACGGCCAGAGAGCTCGCTAGCCGAGGTAAGTGTTTCC-3'
Protein context (NP_689656.2, residues 37-57): LPGKVVVITG[Ala47Thr]NTGIGKETAR

ClinVar aggregate classification (germline): Pathogenic/Likely pathogenic. Review status: criteria provided, multiple submitters, no conflicts (2 of 4 stars). 8 submissions from 8 submitters: Pathogenic (7); Likely pathogenic (1). Last evaluated 2026-07-08.

Conditions:
Leber congenital amaurosis (LCA). Also called: Leber's amaurosis. Identifiers: Orphanet 65, MedGen C0339527, MeSH D057130, MONDO:0018998.
Leber congenital amaurosis 13 (LCA13). Identifiers: MedGen C2675186, MONDO:0012990, OMIM 612712.
RDH12-related disorder. Also called: RDH12-related disorders; RDH12-related condition.

Allele frequency attached by ClinVar (database versions not stated): ExAC 0.00001; gnomAD exomes 0.00001; gnomAD 0.00003; TOPMed 0.00004.
gnomAD v4.1: 21 of 1,613,806 alleles (0.0013%); highest among the groups gnomAD compares: Admixed American, 0.005%; no homozygotes.

Submissions (8):

PreventionGenetics, part of Exact Sciences
Classification: Pathogenic for RDH12-related condition. Last evaluated: 2026-07-08. Review status: criteria provided, single submitter. Criteria: ACMG Guidelines, 2015. Collection method: clinical testing. Allele origin: germline.
Comment: The RDH12 c.139G>A variant is predicted to result in the amino acid substitution p.Ala47Thr. This variant has been reported, in the homozygous state and the heterozygous state along with a second possible causative variant in the same gene, in individuals with retinal dystrophy (see, for example: Thompson et al. 2005. PubMed ID: 16269441; supplementary data, Patel et al. 2015. PubMed ID: 26355662; Chen et al. 2020. PubMed ID: 31872526; Méjécase et al. 2020. PubMed ID: 32783370; supplementary data, Liu et al. 2020. PubMed ID: 33090715; supplementary data, Jin et al. 2022. PubMed ID: 35006499; supplementary data, Li et al. 2023. PubMed ID: 36729443). This missense variant is predicted to be damaging to the encoded protein (REVEL score >0.773, Ioannidis et al. 2016. PubMed ID: 27666373). This variant is present in 0.0029% of alleles in individuals of Latino descent in gnomAD. This variant is interpreted as pathogenic.

Natera, Inc.
Classification: Pathogenic for Leber congenital amaurosis. Last evaluated: 2025-12-05. Review status: criteria provided, single submitter. Criteria: Natera Variant Classification Schema (03/2026). Collection method: clinical testing. Allele origin: germline.
Comment: The c.139G>A variant in RDH12 is a missense variant predicted to cause substitution of alanine to threonine at amino acid 47. This variant is rare in the general population with a frequency below the threshold expected for the associated phenotype(s). This variant has been observed in one or more individuals affected with the associated recessive disease, as either homozygous or compound heterozygous with a second variant (PMID: 37714431, 31496370, 31872526). Additionally, this variant has been observed to segregate in affected family members (PMID: 32783370). Functional studies show that this variant may disrupt protein function (PMID: 16269441). Computational prediction algorithms indicate this variant is likely to affect gene or protein function. Given the available evidence, this variant is classified as Pathogenic.

Labcorp Genetics (formerly Invitae), Labcorp
Classification: Pathogenic for Leber congenital amaurosis 13. Last evaluated: 2025-05-25. Review status: criteria provided, single submitter. Criteria: Invitae Variant Classification Sherloc (09022015). Collection method: clinical testing. Allele origin: germline.
Comment: This sequence change replaces alanine, which is neutral and non-polar, with threonine, which is neutral and polar, at codon 47 of the RDH12 protein (p.Ala47Thr). This variant is present in population databases (rs761231974, gnomAD 0.003%). This missense change has been observed in individual(s) with Leber congenital amaurosis and cone-rod dystrophy (PMID: 16269441, 17197551, 23105016, 26355662, 30134391). In at least one individual the data is consistent with being in trans (on the opposite chromosome) from a pathogenic variant. ClinVar contains an entry for this variant (Variation ID: 852972). Invitae Evidence Modeling of protein sequence and biophysical properties (such as structural, functional, and spatial information, amino acid conservation, physicochemical variation, residue mobility, and thermodynamic stability) has been performed for this missense variant. However, the output from this modeling did not meet the statistical confidence thresholds required to predict the impact of this variant on RDH12 protein function. Experimental studies have shown that this missense change affects RDH12 function (PMID: 16269441). For these reasons, this variant has been classified as Pathogenic.

Fulgent Genetics
Classification: Pathogenic for Leber congenital amaurosis 13. Last evaluated: 2024-04-25. Review status: criteria provided, single submitter. Criteria: ACMG Guidelines, 2015. Collection method: clinical testing. Allele origin: germline.

Genomic Medicine Center of Excellence, King Faisal Specialist Hospital and Research Centre
Classification: Pathogenic for Leber congenital amaurosis 13. Last evaluated: 2024-02-11. Review status: criteria provided, single submitter. Criteria: ACMG Guidelines, 2015. Collection method: research. Allele origin: germline.

Blueprint Genetics
Classification: Pathogenic for RDH12-related disorders. Last evaluated: 2022-09-09. Review status: criteria provided, single submitter. Criteria: ACMG Guidelines, 2015. Collection method: clinical testing. Allele origin: germline. Affected: yes. Observed: 5 variant alleles.

Women's Health and Genetics/Laboratory Corporation of America, LabCorp
Classification: Pathogenic for Leber congenital amaurosis. Last evaluated: 2021-04-21. Review status: criteria provided, single submitter. Criteria: LabCorp Variant Classification Summary - May 2015. Collection method: clinical testing. Allele origin: germline.
Comment: Variant summary: RDH12 c.139G>A (p.Ala47Thr) results in a non-conservative amino acid change in the encoded protein sequence. Five of five in-silico tools predict a damaging effect of the variant on protein function. The variant allele was found at a frequency of 8e-06 in 251486 control chromosomes (gnomAD). c.139G>A has been reported in the literature in multiple individuals affected with Leber Congenital Amaurosis or retinal dystrophy or Retinitis pigmentosa & Rod cone dystrophy (Thompson_2005, Abu-Safieh_2013, Patel_2015). These data indicate that the variant is very likely to be associated with disease. In in vitro functional assays, the variant showed reduced ability to convert all-trans retinal to all-trans retinol exhibiting approximately 10% of wild-type activity (Thompson_2005). One ClinVar submitter (evaluation after 2014) cite the variant as pathogenic. Based on the evidence outlined above, the variant was classified as pathogenic.

Ocular Genomics Institute, Massachusetts Eye and Ear
Classification: Likely pathogenic for Leber congenital amaurosis 13. Last evaluated: 2021-04-08. Review status: criteria provided, single submitter. Criteria: ACMG Guidelines, 2015. Collection method: research. Allele origin: germline. Affected: yes.
Comment: Through a review of available evidence we were able to apply the following criteria: PM2, PM3, PS3. Based on this evidence we have classified this variant as Likely Pathogenic.

Literature cited by the submitters: PubMed 37714431 (cited by Natera, Inc.); PubMed 31496370 (cited by Natera, Inc.); PubMed 31872526 (cited by Natera, Inc.); PubMed 32783370 (cited by Natera, Inc.); PubMed 16269441 (cited by 4 submitters); PubMed 17197551 (cited by Labcorp Genetics (formerly Invitae), Labcorp and Ocular Genomics Institute, Massachusetts Eye and Ear); PubMed 23105016 (cited by 3 submitters); PubMed 26355662 (cited by 3 submitters); PubMed 30134391 (cited by Labcorp Genetics (formerly Invitae), Labcorp and Ocular Genomics Institute, Massachusetts Eye and Ear).